The following is an entry in ClinVar:

NM_005154.5(USP8):c.335+7A>G

Gene: USP8 (ubiquitin specific peptidase 8; plus strand). Cytogenetic location: 15q21.2.
Variant type: single nucleotide variant.
Coding change: c.335+7A>G on transcript NM_005154.5 (MANE Select); 7 bases into the intron after coding-DNA position 335, A replaced by G.
Molecular consequence: intron variant.
Genome position (GRCh38, 1-based): chr15:50,449,492, A>G. VCF-style: chr15-50449492-A-G. GRCh37 (hg19) VCF-style: chr15-50741689-A-G.
Other names: c.335+7A>G (NM_001128610.3); c.105-9508A>G (NM_001283049.2).
Identifiers: ClinVar variation 569358 (VCV000569358.10), dbSNP rs761711198, ClinGen allele CA7555427.
Genomic context (GRCh38, chr15:50,449,492, plus strand): 5'-CATCAAAAAAGCTGTCGAAGAAGCTGAAAGACTCTCTGAAAGCCTTAAATTAAGGTACAG[A>G]TATTATGAAATATTTAAAATAATGTAAATTTAGAAGATAAAAATAATATTTAAGATTTAC-3'

ClinVar aggregate classification (germline): Uncertain significance (1 of 4 stars; one submission).

Conditions:
Hereditary spastic paraplegia. Also called: Familial spastic paraparesis. Identifiers: Orphanet 685, MedGen C0037773, MONDO:0019064. Disease mechanism: loss of function.

Allele frequency attached by ClinVar (database versions not stated): ExAC 0.00001; gnomAD exomes 0.00002.
gnomAD v4.1: 10 of 1,480,826 alleles (0.00068%); highest among the groups gnomAD compares: Non-Finnish European, 0.00091%; no homozygotes.

Submission:

Labcorp Genetics (formerly Invitae), Labcorp
Classification: Uncertain significance for Hereditary spastic paraplegia. Last evaluated: 2019-07-18. Review status: criteria provided, single submitter. Criteria: Invitae Variant Classification Sherloc (09022015). Collection method: clinical testing. Allele origin: germline.
Comment: This sequence change falls in intron 4 of the USP8 gene. It does not directly change the encoded amino acid sequence of the USP8 protein. This variant is present in population databases (rs761711198, ExAC 0.002%). This variant has not been reported in the literature in individuals with USP8-related disease. Algorithms developed to predict the effect of sequence changes on RNA splicing suggest that this variant may create or strengthen a splice site, but this prediction has not been confirmed by published transcriptional studies. In summary, the available evidence is currently insufficient to determine the role of this variant in disease. Therefore, it has been classified as a Variant of Uncertain Significance.